The following is an entry in ClinVar:

NM_000051.4(ATM):c.2894A>T (p.Asp965Val)

Gene: ATM (ATM serine/threonine kinase; plus strand). Cytogenetic location: 11q22.3.
Variant type: single nucleotide variant.
Coding change: c.2894A>T on transcript NM_000051.4 (MANE Select); coding-DNA position 2894, A replaced by T.
Protein change: p.Asp965Val; replaces aspartic acid 965 with valine.
Molecular consequence: missense variant.
Genome position (GRCh38, 1-based): chr11:108,271,119, A>T. VCF-style: chr11-108271119-A-T. GRCh37 (hg19) VCF-style: chr11-108141846-A-T.
Other names: c.2894A>T, p.Asp965Val (NM_001351834.2); short protein forms D965V.
Identifiers: ClinVar variation 230551 (VCV000230551.23), dbSNP rs876658628, ClinGen allele CA10579075.

ClinVar aggregate classification (germline): Conflicting classifications of pathogenicity. Review status: criteria provided, conflicting classifications (1 of 4 stars). 4 submissions from 4 submitters: Uncertain significance (3); Benign (1). Last evaluated 2025-10-22.

Conditions:
Hereditary cancer-predisposing syndrome. Also called: Hereditary Cancer Syndrome; Neoplastic Syndromes, Hereditary; Tumor predisposition; Hereditary neoplastic syndrome. Identifiers: Orphanet 140162, MedGen C0027672, MeSH D009386, MONDO:0015356.
Ataxia-telangiectasia syndrome (AT). Also called: Ataxia telangiectasia (A-T); Ataxia-telangiectasia, complementation group E; LOUIS-BAR SYNDROME; Cerebello-oculocutaneous telangiectasia; Immunodeficiency with ataxia telangiectasia; Ataxia-telangiectasia, complementation group D. Identifiers: Orphanet 100, MedGen C0004135, MONDO:0008840, OMIM 208900.

Allele frequency attached by ClinVar (database versions not stated): gnomAD exomes below 0.00001; gnomAD 0.00001; TOPMed 0.00001.
gnomAD v4.1: 3 of 1,613,984 alleles (0.00019%); highest among the groups gnomAD compares: Non-Finnish European, 0.00017%; no homozygotes.

Submissions (4):

Ambry Genetics
Classification: Benign for Hereditary cancer-predisposing syndrome. Last evaluated: 2025-10-22. Review status: criteria provided, single submitter. Criteria: Ambry Variant Classification Scheme 2023. Collection method: clinical testing. Allele origin: germline.

Labcorp Genetics (formerly Invitae), Labcorp
Classification: Uncertain significance for Ataxia-telangiectasia syndrome. Last evaluated: 2025-07-23. Review status: criteria provided, single submitter. Criteria: Invitae Variant Classification Sherloc (09022015). Collection method: clinical testing. Allele origin: germline.
Comment: This sequence change replaces aspartic acid, which is acidic and polar, with valine, which is neutral and non-polar, at codon 965 of the ATM protein (p.Asp965Val). This variant is present in population databases (no rsID available, gnomAD 0.0009%). This variant has not been reported in the literature in individuals affected with ATM-related conditions. ClinVar contains an entry for this variant (Variation ID: 230551). Invitae Evidence Modeling of protein sequence and biophysical properties (such as structural, functional, and spatial information, amino acid conservation, physicochemical variation, residue mobility, and thermodynamic stability) indicates that this missense variant is not expected to disrupt ATM protein function with a negative predictive value of 95%. In summary, the available evidence is currently insufficient to determine the role of this variant in disease. Therefore, it has been classified as a Variant of Uncertain Significance.

GeneDx
Classification: Uncertain significance. Last evaluated: 2024-12-09. Review status: criteria provided, single submitter. Criteria: GeneDx Variant Classification Process June 2021. Collection method: clinical testing. Allele origin: germline. Affected: yes.
Comment: Not observed at significant frequency in large population cohorts (gnomAD); In silico analysis supports that this missense variant has a deleterious effect on protein structure/function; Has not been previously published as pathogenic or benign to our knowledge; This variant is associated with the following publications: (PMID: 19781682)

Color Diagnostics, LLC DBA Color Health
Classification: Uncertain significance for Hereditary cancer-predisposing syndrome. Last evaluated: 2024-03-06. Review status: criteria provided, single submitter. Criteria: ACMG Guidelines, 2015. Collection method: clinical testing. Allele origin: germline.
Comment: This missense variant replaces aspartic acid with valine at codon 965 of the ATM protein. Computational prediction suggests that this variant may not impact protein structure and function (internally defined REVEL score threshold <= 0.5, PMID: 27666373). To our knowledge, functional studies have not been reported for this variant. This variant has not been reported in individuals affected with ATM-related disorders in the literature. This variant has been identified in 1/251412 chromosomes in the general population by the Genome Aggregation Database (gnomAD). The available evidence is insufficient to determine the role of this variant in disease conclusively. Therefore, this variant is classified as a Variant of Uncertain Significance.

Literature cited by the submitters: PubMed 40580951 (cited by Ambry Genetics).